The following is an entry in ClinVar:

NM_001567.4(INPPL1):c.1049G>A (p.Arg350Gln)

Gene: INPPL1 (inositol polyphosphate phosphatase like 1; plus strand). Cytogenetic location: 11q13.4.
Variant type: single nucleotide variant.
Coding change: c.1049G>A on transcript NM_001567.4 (MANE Select); coding-DNA position 1049, G replaced by A.
Protein change: p.Arg350Gln; replaces arginine 350 with glutamine.
Molecular consequence: missense variant.
Genome position (GRCh38, 1-based): chr11:72,230,230, G>A. VCF-style: chr11-72230230-G-A. GRCh37 (hg19) VCF-style: chr11-71941274-G-A.
Other names: short protein forms R350Q.
Identifiers: ClinVar variation 2187265 (VCV002187265.4), dbSNP rs754842505, ClinGen allele CA6169873.

ClinVar aggregate classification (germline): Uncertain significance (1 of 4 stars; one submission).

Allele frequency attached by ClinVar (database versions not stated): gnomAD exomes 0.00001; ExAC 0.00003; TOPMed 0.00003; gnomAD 0.00005.

Submission:

Labcorp Genetics (formerly Invitae), Labcorp
Classification: Uncertain significance. Last evaluated: 2022-08-01. Review status: criteria provided, single submitter. Criteria: Invitae Variant Classification Sherloc (09022015). Collection method: clinical testing. Allele origin: germline.
Comment: In summary, the available evidence is currently insufficient to determine the role of this variant in disease. Therefore, it has been classified as a Variant of Uncertain Significance. Algorithms developed to predict the effect of missense changes on protein structure and function (SIFT, PolyPhen-2, Align-GVGD) all suggest that this variant is likely to be tolerated. This variant has not been reported in the literature in individuals affected with INPPL1-related conditions. This variant is present in population databases (rs754842505, gnomAD 0.007%). This sequence change replaces arginine, which is basic and polar, with glutamine, which is neutral and polar, at codon 350 of the INPPL1 protein (p.Arg350Gln).